The following is an entry in ClinVar:

NM_001330260.2(SCN8A):c.1885A>G (p.Ile629Val)

Gene: SCN8A (sodium voltage-gated channel alpha subunit 8; plus strand). Cytogenetic location: 12q13.13.
Variant type: single nucleotide variant.
Coding change: c.1885A>G on transcript NM_001330260.2 (MANE Select); coding-DNA position 1885, A replaced by G.
Protein change: p.Ile629Val; replaces isoleucine 629 with valine.
Molecular consequence: missense variant.
Genome position (GRCh38, 1-based): chr12:51,721,795, A>G. VCF-style: chr12-51721795-A-G. GRCh37 (hg19) VCF-style: chr12-52115579-A-G.
Other names: c.1885A>G, p.Ile629Val (NM_001177984.3, NM_001369788.1, NM_014191.4); short protein forms I629V.
Identifiers: ClinVar variation 2907189 (VCV002907189.3), dbSNP rs1036936421, ClinGen allele CA236266982.

ClinVar aggregate classification (germline): Uncertain significance (1 of 4 stars; one submission).

Conditions:
Early-infantile DEE. Also called: Early infantile epileptic encephalopathy; Ohtahara syndrome; Early infantile epileptic encephalopathy with suppression bursts. Identifiers: Orphanet 1934, MedGen C0393706, MONDO:0800491.

Allele frequency attached by ClinVar (database versions not stated): gnomAD exomes 0.00001; TOPMed 0.00001.
gnomAD v4.1: 3 of 1,610,106 alleles (0.00019%); highest among the groups gnomAD compares: East Asian, 0.0022%; no homozygotes.

Submission:

Labcorp Genetics (formerly Invitae), Labcorp
Classification: Uncertain significance for Early-infantile DEE. Last evaluated: 2024-10-30. Review status: criteria provided, single submitter. Criteria: Invitae Variant Classification Sherloc (09022015). Collection method: clinical testing. Allele origin: germline.
Comment: This sequence change replaces isoleucine, which is neutral and non-polar, with valine, which is neutral and non-polar, at codon 629 of the SCN8A protein (p.Ile629Val). This variant is not present in population databases (gnomAD no frequency). This variant has not been reported in the literature in individuals affected with SCN8A-related conditions. ClinVar contains an entry for this variant (Variation ID: 2907189). Invitae Evidence Modeling of protein sequence and biophysical properties (such as structural, functional, and spatial information, amino acid conservation, physicochemical variation, residue mobility, and thermodynamic stability) indicates that this missense variant is not expected to disrupt SCN8A protein function with a negative predictive value of 95%. In summary, the available evidence is currently insufficient to determine the role of this variant in disease. Therefore, it has been classified as a Variant of Uncertain Significance.